The following is an entry in ClinVar:

NM_021625.5(TRPV4):c.985G>A (p.Val329Met)

Gene: TRPV4 (transient receptor potential cation channel subfamily V member 4; minus strand). Cytogenetic location: 12q24.11.
Variant type: single nucleotide variant.
Coding change: c.985G>A on transcript NM_021625.5 (MANE Select); coding-DNA position 985, G replaced by A.
Protein change: p.Val329Met; replaces valine 329 with methionine.
Molecular consequence: missense variant.
Genome position (GRCh38, 1-based): chr12:109,798,781, C>T on the plus strand (G>A on the coding strand, the complement: TRPV4 is on the minus strand). VCF-style: chr12-109798781-C-T. GRCh37 (hg19) VCF-style: chr12-110236586-C-T.
Other names: c.985G>A, p.Val329Met (NM_147204.3); c.844G>A, p.Val282Met (NM_001177428.2, NM_001177433.2); c.883G>A, p.Val295Met (NM_001177431.2); short protein forms V282M, V295M, V329M.
Identifiers: ClinVar variation 1059723 (VCV001059723.9), dbSNP rs2136519623, ClinGen allele CA386654673.

ClinVar aggregate classification (germline): Uncertain significance (1 of 4 stars; one submission).

Conditions:
Charcot-Marie-Tooth disease axonal type 2C (HMSN2C). Also called: Charcot-Marie-Tooth Disease Type 2, TRPV4-Related (CMT2C); CHARCOT-MARIE-TOOTH DISEASE, AXONAL, AUTOSOMAL DOMINANT, TYPE 2C; Charcot-Marie-Tooth Neuropathy Type 2C. Identifiers: Orphanet 99937, MedGen C1853710, MONDO:0011633, OMIM 606071.

Submission:

Labcorp Genetics (formerly Invitae), Labcorp
Classification: Uncertain significance for Charcot-Marie-Tooth disease axonal type 2C. Last evaluated: 2018-05-01. Review status: criteria provided, single submitter. Criteria: Invitae Variant Classification Sherloc (09022015). Collection method: clinical testing. Allele origin: germline.
Comment: This sequence change replaces valine with methionine at codon 329 of the TRPV4 protein (p.Val329Met). The valine residue is highly conserved and there is a small physicochemical difference between valine and methionine. This variant is not present in population databases (ExAC no frequency). This variant has not been reported in the literature in individuals with TRPV4-related disease. Algorithms developed to predict the effect of missense changes on protein structure and function do not agree on the potential impact of this missense change (SIFT: "Deleterious"; PolyPhen-2: "Probably Damaging"; Align-GVGD: "Class C0"). In summary, the available evidence is currently insufficient to determine the role of this variant in disease. Therefore, it has been classified as a Variant of Uncertain Significance.